The following is an entry in ClinVar:

ClinVar aggregate classification (germline): Conflicting classifications of pathogenicity. Review status: criteria provided, conflicting classifications (1 of 4 stars). 5 submissions from 5 submitters: Uncertain significance (2); Benign (1); Likely benign (1). 1 of the submissions does not count toward it. Last evaluated 2026-02-02.

Conditions:
RFT1-congenital disorder of glycosylation (CDG1N). Also called: CDG In; Congenital disorder of glycosylation type In; RFT1-CDG. Identifiers: Orphanet 244310, MedGen C2677590, MONDO:0012783, OMIM 612015.
RFT1-related disorder. Also called: RFT1-related condition.
Inborn genetic diseases. Identifiers: MedGen C0950123, MeSH D030342.

Allele frequency attached by ClinVar (database versions not stated): ESP Exome Variant Server 0.00008; gnomAD exomes 0.00023 and 0.00031; ExAC 0.00028; gnomAD 0.00034 and 0.00036; TOPMed 0.00038.
gnomAD v4.1: 417 of 1,613,680 alleles (0.026%); highest among the groups gnomAD compares: Middle Eastern, 0.099%; no homozygotes.

Submissions (5):

Labcorp Genetics (formerly Invitae), Labcorp
Classification: Benign for RFT1-congenital disorder of glycosylation. Last evaluated: 2026-02-02. Review status: criteria provided, single submitter. Criteria: Invitae Variant Classification Sherloc (09022015). Collection method: clinical testing. Allele origin: germline.

Blueprint Genetics
Classification: Likely benign. Last evaluated: 2024-10-18. Review status: criteria provided, single submitter. Criteria: ACMG Guidelines, 2015. Collection method: clinical testing. Allele origin: germline.

Ambry Genetics
Classification: Uncertain significance for Inborn genetic diseases. Last evaluated: 2020-10-14. Review status: criteria provided, single submitter. Criteria: Ambry Variant Classification Scheme 2023. Collection method: clinical testing. Allele origin: germline.
Comment: The c.436C>T (p.H146Y) alteration is located in exon 4 (coding exon 4) of the RFT1 gene. This alteration results from a C to T substitution at nucleotide position 436, causing the histidine (H) at amino acid position 146 to be replaced by a tyrosine (Y). Based on data from the Genome Aggregation Database (gnomAD) database, the RFT1 c.436C>T alteration was observed in 0.03% (89/282752) of total alleles studied, with a frequency of 0.57% (59/10366) in the Ashkenazi Jewish subpopulation. This variant was identified in an individual with intellectual disability, dysmorphic features, hyperextensible skin, and hypotonia in conjunction with a second RFT1 variant (Bruel, 2019). This amino acid position is well conserved in available vertebrate species. The p.H146Y alteration is predicted to be tolerated by in silico analysis. Based on insufficient or conflicting evidence, the clinical significance of this alteration remains unclear.

Illumina Laboratory Services, Illumina
Classification: Uncertain significance for RFT1-congenital disorder of glycosylation. Last evaluated: 2018-01-13. Review status: criteria provided, single submitter. Criteria: ICSL Variant Classification Criteria 13 December 2019. Collection method: clinical testing. Allele origin: germline.

PreventionGenetics, part of Exact Sciences
Classification: Likely benign for RFT1-related condition. Last evaluated: 2019-11-21. Review status: no assertion criteria provided. Collection method: clinical testing. Allele origin: germline. Not counted in ClinVar's aggregate classification.
Comment: This variant is classified as likely benign based on ACMG/AMP sequence variant interpretation guidelines (Richards et al. 2015 PMID: 25741868, with internal and published modifications).

Literature cited by the submitters: PubMed 31231135 (cited by Ambry Genetics).

NM_052859.4(RFT1):c.436C>T (p.His146Tyr)

Gene: RFT1 (RFT1 glycolipid translocator homolog; minus strand). Cytogenetic location: 3p21.1.
Variant type: single nucleotide variant.
Coding change: c.436C>T on transcript NM_052859.4 (MANE Select); coding-DNA position 436, C replaced by T.
Protein change: p.His146Tyr; replaces histidine 146 with tyrosine.
Molecular consequence: missense variant.
Genome position (GRCh38, 1-based): chr3:53,122,394, G>A on the plus strand (C>T on the coding strand, the complement: RFT1 is on the minus strand). VCF-style: chr3-53122394-G-A. GRCh37 (hg19) VCF-style: chr3-53156410-G-A.
Other names: short protein forms H146Y.
Identifiers: ClinVar variation 719647 (VCV000719647.17), dbSNP rs201794647, ClinGen allele CA2451460.